The following is an entry in ClinVar:

ClinVar aggregate classification (germline): Uncertain significance. Review status: criteria provided, multiple submitters, no conflicts (2 of 4 stars). 2 submissions from 2 submitters: Uncertain significance (2). Last evaluated 2024-06-24.

Conditions:
Bartter disease type 4A. Also called: BARTTER SYNDROME, NEONATAL, WITH SENSORINEURAL DEAFNESS; BARTTER SYNDROME, TYPE 4A, NEONATAL, WITH SENSORINEURAL DEAFNESS. Identifiers: Orphanet 112, MedGen C1865270, MONDO:0011242, OMIM 602522.

gnomAD v4.1: 33 of 1,612,324 alleles (0.002%); highest among the groups gnomAD compares: Middle Eastern, 0.033%; no homozygotes.

Submissions (2):

GeneDx
Classification: Uncertain significance. Last evaluated: 2024-06-24. Review status: criteria provided, single submitter. Criteria: GeneDx Variant Classification Process June 2021. Collection method: clinical testing. Allele origin: germline. Affected: yes.
Comment: In silico analysis indicates that this missense variant does not alter protein structure/function; Has not been previously published as pathogenic or benign to our knowledge

Department of Pathology and Laboratory Medicine, Sinai Health System
Classification: Uncertain significance for Bartter disease type 4A. Last evaluated: 2021-07-30. Review status: criteria provided, single submitter. Criteria: ACMG Guidelines, 2015. Collection method: research. Allele origin: germline.

NM_057176.3(BSND):c.508G>A (p.Glu170Lys)

Gene: BSND (barttin CLCNK type accessory subunit beta; plus strand). Cytogenetic location: 1p32.3.
Variant type: single nucleotide variant.
Coding change: c.508G>A on transcript NM_057176.3 (MANE Select); coding-DNA position 508, G replaced by A.
Protein change: p.Glu170Lys; replaces glutamic acid 170 with lysine.
Molecular consequence: missense variant.
Genome position (GRCh38, 1-based): chr1:55,007,232, G>A. VCF-style: chr1-55007232-G-A. GRCh37 (hg19) VCF-style: chr1-55472905-G-A.
Other names: short protein forms E170K.
Identifiers: ClinVar variation 3392614 (VCV003392614.2).